The following is an entry in ClinVar:

ClinVar aggregate classification (germline): Uncertain significance (1 of 4 stars; one submission).

Conditions:
Polycystic kidney disease 2 (PKD2). Also called: Polycystic Kidney Disease 2, Autosomal Dominant; POLYCYSTIC KIDNEY DISEASE, ADULT, TYPE II; POLYCYSTIC KIDNEY DISEASE 2 WITH OR WITHOUT POLYCYSTIC LIVER DISEASE. Identifiers: MedGen C2751306, MONDO:0013131, OMIM 613095.

Submission:

MVZ Medizinische Genetik Mainz
Classification: Uncertain significance for Polycystic kidney disease 2. Last evaluated: 2025-01-27. Review status: criteria provided, single submitter. Criteria: UK Practice Guidelines For Variant Classification V4 01 2020. Collection method: clinical testing. Allele origin: germline. Inheritance: Autosomal dominant inheritance. Affected: yes. Observed: 1 variant allele.
Comment: ACMG Criteria: PM2_SUP,PP3

NM_000297.4(PKD2):c.1295A>C (p.Asn432Thr)

Gene: PKD2 (polycystin 2, transient receptor potential cation channel; plus strand). Cytogenetic location: 4q22.1.
Variant type: single nucleotide variant.
Coding change: c.1295A>C on transcript NM_000297.4 (MANE Select); coding-DNA position 1295, A replaced by C.
Protein change: p.Asn432Thr; replaces asparagine 432 with threonine.
Molecular consequence: missense variant. On other transcripts: non-coding transcript variant (1).
Genome position (GRCh38, 1-based): chr4:88,043,433, A>C. VCF-style: chr4-88043433-A-C. GRCh37 (hg19) VCF-style: chr4-88964585-A-C.
Other names: short protein forms N432T.
Identifiers: ClinVar variation 3764801 (VCV003764801.1).